The following is an entry in ClinVar:

ClinVar aggregate classification (germline): Uncertain significance (1 of 4 stars; one submission).

Conditions:
Cardiovascular phenotype. Identifiers: MedGen CN230736.

Allele frequency attached by ClinVar (database versions not stated): ExAC 0.00001; gnomAD exomes 0.00001.

Submission:

Ambry Genetics
Classification: Uncertain significance for Cardiovascular phenotype. Last evaluated: 2021-04-02. Review status: criteria provided, single submitter. Criteria: Ambry Variant Classification Scheme 2023. Collection method: clinical testing. Allele origin: germline.
Comment: The p.S304T variant (also known as c.910T>A), located in coding exon 8 of the TRPM4 gene, results from a T to A substitution at nucleotide position 910. The serine at codon 304 is replaced by threonine, an amino acid with similar properties. This amino acid position is highly conserved in available vertebrate species. In addition, the in silico prediction for this alteration is inconclusive. Since supporting evidence is limited at this time, the clinical significance of this alteration remains unclear.

NM_017636.4(TRPM4):c.910T>A (p.Ser304Thr)

Gene: TRPM4 (transient receptor potential cation channel subfamily M member 4; plus strand). Cytogenetic location: 19q13.33.
Variant type: single nucleotide variant.
Coding change: c.910T>A on transcript NM_017636.4 (MANE Select); coding-DNA position 910, T replaced by A.
Protein change: p.Ser304Thr; replaces serine 304 with threonine.
Molecular consequence: missense variant. On other transcripts: 5 prime UTR variant (1).
Genome position (GRCh38, 1-based): chr19:49,171,629, T>A. VCF-style: chr19-49171629-T-A. GRCh37 (hg19) VCF-style: chr19-49674886-T-A.
Other names: c.910T>A, p.Ser304Thr (NM_001195227.2); c.565T>A, p.Ser189Thr (NM_001321281.2); c.-644T>A (NM_001321282.2); c.388T>A, p.Ser130Thr (NM_001321283.2); c.61T>A, p.Ser21Thr (NM_001321285.2); short protein forms S130T, S189T, S21T, S304T.
Identifiers: ClinVar variation 1765845 (VCV001765845.2), dbSNP rs753802920, ClinGen allele CA9569013.
Genomic context (GRCh38, chr19:49,171,629, plus strand): 5'-ATCCTGTAGCGAATAGAGAACGCCACCCAGGCTCAGCTCCCATGTCTCCTCGTGGCTGGC[T>A]CAGGGGGAGCTGCGGACTGCCTGGCGGAGACCCTGGAAGACACTCTGGCCCCAGGGAGTG-3'
Protein context (NP_060106.2, residues 294-314): AQLPCLLVAG[Ser304Thr]GGAADCLAET